The following is an entry in ClinVar:

ClinVar aggregate classification (germline): Uncertain significance (1 of 4 stars; one submission).

Allele frequency attached by ClinVar (database versions not stated): gnomAD 0.00001.
gnomAD v4.1: 2 of 1,610,182 alleles (0.00012%); highest among the groups gnomAD compares: Admixed American, 0.0034%; no homozygotes.

Submission:

Labcorp Genetics (formerly Invitae), Labcorp
Classification: Uncertain significance. Last evaluated: 2024-02-24. Review status: criteria provided, single submitter. Criteria: Invitae Variant Classification Sherloc (09022015). Collection method: clinical testing. Allele origin: germline.
Comment: This sequence change replaces cysteine, which is neutral and slightly polar, with tyrosine, which is neutral and polar, at codon 78 of the NDUFS1 protein (p.Cys78Tyr). The frequency data for this variant in the population databases is considered unreliable, as metrics indicate poor data quality at this position in the gnomAD database. This variant has not been reported in the literature in individuals affected with NDUFS1-related conditions. ClinVar contains an entry for this variant (Variation ID: 1957319). Advanced modeling of protein sequence and biophysical properties (such as structural, functional, and spatial information, amino acid conservation, physicochemical variation, residue mobility, and thermodynamic stability) performed at Invitae indicates that this missense variant is expected to disrupt NDUFS1 protein function with a positive predictive value of 80%. In summary, the available evidence is currently insufficient to determine the role of this variant in disease. Therefore, it has been classified as a Variant of Uncertain Significance.

NM_005006.7(NDUFS1):c.233G>A (p.Cys78Tyr)

Gene: NDUFS1 (NADH:ubiquinone oxidoreductase core subunit S1; minus strand). Cytogenetic location: 2q33.3.
Variant type: single nucleotide variant.
Coding change: c.233G>A on transcript NM_005006.7 (MANE Select); coding-DNA position 233, G replaced by A.
Protein change: p.Cys78Tyr; replaces cysteine 78 with tyrosine.
Molecular consequence: missense variant. On other transcripts: intron variant (2).
Genome position (GRCh38, 1-based): chr2:206,149,846, C>T on the plus strand (G>A on the coding strand, the complement: NDUFS1 is on the minus strand). VCF-style: chr2-206149846-C-T. GRCh37 (hg19) VCF-style: chr2-207014570-C-T.
Other names: c.62G>A, p.Cys21Tyr (NM_001199983.2); c.275G>A, p.Cys92Tyr (NM_001199984.2); c.6-2012G>A (NM_001199982.2); c.154-750G>A (NM_001199981.2); short protein forms C21Y, C78Y, C92Y.
Identifiers: ClinVar variation 1957319 (VCV001957319.5), dbSNP rs771661052, ClinGen allele CA350064034.